The following is an entry in ClinVar:

NM_000466.3(PEX1):c.3617G>T (p.Arg1206Ile)

Genes: GATAD1 (GATA zinc finger domain containing 1; plus strand), PEX1 (peroxisomal biogenesis factor 1; minus strand). Cytogenetic location: 7q21.2.
Variant type: single nucleotide variant.
Coding change: c.3617G>T on transcript NM_000466.3 (MANE Select); coding-DNA position 3617, G replaced by T.
Protein change: p.Arg1206Ile; replaces arginine 1206 with isoleucine.
Molecular consequence: missense variant.
Genome position (GRCh38, 1-based): chr7:92,489,733, C>A on the plus strand (G>T on the coding strand, the complement: PEX1 is on the minus strand). VCF-style: chr7-92489733-C-A. GRCh37 (hg19) VCF-style: chr7-92119047-C-A.
Other names: c.3446G>T, p.Arg1149Ile (NM_001282677.2); c.2993G>T, p.Arg998Ile (NM_001282678.2); short protein forms R1149I, R1206I, R998I.
Identifiers: ClinVar variation 1036578 (VCV001036578.6), dbSNP rs574785174, ClinGen allele CA4340790.
Genomic context (GRCh38, chr7:92,489,733, plus strand): 5'-AAGAAGTTTTAACAATTATAATGAGGGGGAAAAAGCCATACTCCACTTTGGCTCCGGTAT[C>A]TGCCTTTGATAATACTGATATCTGCCCTCAGTTGATCTCTTTGTTCTTGTGTAAGTTCTT-3'
Protein context (NP_000457.1, residues 1196-1216): LRADISIIKG[Arg1206Ile]YRSQSGEDES

ClinVar aggregate classification (germline): Uncertain significance. Review status: criteria provided, single submitter (1 of 4 stars). 2 submissions from 2 submitters: Uncertain significance (1). 1 of the submissions does not count toward it. Last evaluated 2022-03-03.

Conditions:
Zellweger spectrum disorders (ZS). Also called: Zellweger Spectrum Disorder (ZSD); Zellweger Spectrum Disorder; Zellweger Spectrum; Zellweger syndrome. Identifiers: Orphanet 912, MedGen C0043459, MONDO:0019609.

Allele frequency attached by ClinVar (database versions not stated): TOPMed 0.00002.
gnomAD v4.1: 2 of 1,614,072 alleles (0.00012%); highest among the groups gnomAD compares: East Asian, 0.0045%; no homozygotes.

Submissions (2):

Labcorp Genetics (formerly Invitae), Labcorp
Classification: Uncertain significance for Zellweger spectrum disorders. Last evaluated: 2022-03-03. Review status: criteria provided, single submitter. Criteria: Invitae Variant Classification Sherloc (09022015). Collection method: clinical testing. Allele origin: germline.
Comment: This sequence change replaces arginine, which is basic and polar, with isoleucine, which is neutral and non-polar, at codon 1206 of the PEX1 protein (p.Arg1206Ile). This variant is present in population databases (rs574785174, gnomAD 0.02%). This variant has not been reported in the literature in individuals affected with PEX1-related conditions. ClinVar contains an entry for this variant (Variation ID: 1036578). Algorithms developed to predict the effect of missense changes on protein structure and function are either unavailable or do not agree on the potential impact of this missense change (SIFT: "Tolerated"; PolyPhen-2: "Possibly Damaging"; Align-GVGD: "Class C0"). In summary, the available evidence is currently insufficient to determine the role of this variant in disease. Therefore, it has been classified as a Variant of Uncertain Significance.

Natera, Inc.
Classification: Uncertain significance for Zellweger syndrome. Last evaluated: 2019-02-08. Review status: no assertion criteria provided. Collection method: clinical testing. Allele origin: germline. Not counted in ClinVar's aggregate classification.